The following is an entry in ClinVar:

ClinVar aggregate classification (germline): Benign (0 of 4 stars; one submission).

Conditions:
CELSR1-related disorder. Also called: CELSR1-related condition.

Allele frequency attached by ClinVar (database versions not stated): gnomAD exomes 0.01007; ExAC 0.01789; gnomAD 0.04527; TOPMed 0.04883; ESP Exome Variant Server 0.04990; 1000 Genomes Project 0.05192; 1000 Genomes Project 30x 0.05434.
gnomAD v4.1: 21,804 of 1,613,752 alleles (1.4%); highest among the groups gnomAD compares: African/African-American, 14%; 837 homozygotes.

Submission:

PreventionGenetics, part of Exact Sciences
Classification: Benign for CELSR1-related condition. Last evaluated: 2019-11-11. Review status: no assertion criteria provided. Collection method: clinical testing. Allele origin: germline.
Comment: This variant is classified as benign based on ACMG/AMP sequence variant interpretation guidelines (Richards et al. 2015 PMID: 25741868, with internal and published modifications).

NM_001378328.1(CELSR1):c.3724G>A (p.Val1242Ile)

Gene: CELSR1 (cadherin EGF LAG seven-pass G-type receptor 1; minus strand). Cytogenetic location: 22q13.31.
Variant type: single nucleotide variant.
Coding change: c.3724G>A on transcript NM_001378328.1 (MANE Select); coding-DNA position 3724, G replaced by A.
Protein change: p.Val1242Ile; replaces valine 1242 with isoleucine.
Molecular consequence: missense variant.
Genome position (GRCh38, 1-based): chr22:46,464,166, C>T on the plus strand (G>A on the coding strand, the complement: CELSR1 is on the minus strand). VCF-style: chr22-46464166-C-T. GRCh37 (hg19) VCF-style: chr22-46860063-C-T.
Other names: c.3724G>A, p.Val1242Ile (NM_014246.4); short protein forms V1242I.
Identifiers: ClinVar variation 3056385 (VCV003056385.2), dbSNP rs6008842, ClinGen allele CA10294913.